The following is an entry in ClinVar:

NM_001367624.2(ZNF469):c.11082G>T (p.Lys3694Asn)

Gene: ZNF469 (zinc finger protein 469; plus strand). Cytogenetic location: 16q24.2.
Variant type: single nucleotide variant.
Coding change: c.11082G>T on transcript NM_001367624.2 (MANE Select); coding-DNA position 11082, G replaced by T.
Protein change: p.Lys3694Asn; replaces lysine 3694 with asparagine.
Molecular consequence: missense variant.
Genome position (GRCh38, 1-based): chr16:88,438,552, G>T. VCF-style: chr16-88438552-G-T. GRCh37 (hg19) VCF-style: chr16-88504960-G-T.
Other names: NM_001127464.1:c.10998G>T; short protein forms K3694N.
Identifiers: ClinVar variation 1791416 (VCV001791416.2), dbSNP rs2507608312, ClinGen allele CA397128934.

ClinVar aggregate classification (germline): Uncertain significance (1 of 4 stars; one submission).

Conditions:
Cardiovascular phenotype. Identifiers: MedGen CN230736.

Allele frequency attached by ClinVar (database versions not stated): gnomAD exomes 0.00001.
gnomAD v4.1: 3 of 1,550,172 alleles (0.00019%); highest among the groups gnomAD compares: Non-Finnish European, 0.00026%; no homozygotes.

Submission:

Ambry Genetics
Classification: Uncertain significance for Cardiovascular phenotype. Last evaluated: 2020-07-13. Review status: criteria provided, single submitter. Criteria: Ambry Variant Classification Scheme 2023. Collection method: clinical testing. Allele origin: germline.
Comment: The p.K3666N variant (also known as c.10998G>T), located in coding exon 2 of the ZNF469 gene, results from a G to T substitution at nucleotide position 10998. The lysine at codon 3666 is replaced by asparagine, an amino acid with similar properties. This amino acid position is not well conserved in available vertebrate species. In addition, this alteration is predicted to be tolerated by in silico analysis. Since supporting evidence is limited at this time, the clinical significance of this alteration remains unclear.